The following is an entry in ClinVar:

NM_152703.5(SAMD9L):c.1320G>C (p.Trp440Cys)

Gene: SAMD9L (sterile alpha motif domain containing 9 like; minus strand). Cytogenetic location: 7q21.2.
Variant type: single nucleotide variant.
Coding change: c.1320G>C on transcript NM_152703.5 (MANE Select); coding-DNA position 1320, G replaced by C.
Protein change: p.Trp440Cys; replaces tryptophan 440 with cysteine.
Molecular consequence: missense variant.
Genome position (GRCh38, 1-based): chr7:93,134,652, C>G on the plus strand (G>C on the coding strand, the complement: SAMD9L is on the minus strand). VCF-style: chr7-93134652-C-G. GRCh37 (hg19) VCF-style: chr7-92763965-C-G.
Other names: c.1320G>C, p.Trp440Cys (NM_001303496.3, NM_001303497.3, NM_001303498.3 and 5 more transcripts); c.1320G>C (NM_152703.2); short protein forms W440C.
Identifiers: ClinVar variation 1499779 (VCV001499779.7), dbSNP rs2116497666, ClinGen allele CA368197460.

ClinVar aggregate classification (germline): Uncertain significance. Review status: criteria provided, multiple submitters, no conflicts (2 of 4 stars). 2 submissions from 2 submitters: Uncertain significance (2). Last evaluated 2026-01-10.

Conditions:
Inborn genetic diseases. Identifiers: MedGen C0950123, MeSH D030342.

Submissions (2):

Ambry Genetics
Classification: Uncertain significance for Inborn genetic diseases. Last evaluated: 2026-01-10. Review status: criteria provided, single submitter. Criteria: Ambry Variant Classification Scheme 2023. Collection method: clinical testing. Allele origin: germline.
Comment: The p.W440C variant (also known as c.1320G>C), located in coding exon 1 of the SAMD9L gene, results from a G to C substitution at nucleotide position 1320. The tryptophan at codon 440 is replaced by cysteine, an amino acid with highly dissimilar properties. This amino acid position is conserved. In addition, this alteration is predicted to be tolerated by in silico analysis. Based on the available evidence, the clinical significance of this variant remains unclear.

Labcorp Genetics (formerly Invitae), Labcorp
Classification: Uncertain significance. Last evaluated: 2025-02-17. Review status: criteria provided, single submitter. Criteria: Invitae Variant Classification Sherloc (09022015). Collection method: clinical testing. Allele origin: germline.
Comment: This sequence change replaces tryptophan, which is neutral and slightly polar, with cysteine, which is neutral and slightly polar, at codon 440 of the SAMD9L protein (p.Trp440Cys). This variant is not present in population databases (gnomAD no frequency). This variant has not been reported in the literature in individuals affected with SAMD9L-related conditions. ClinVar contains an entry for this variant (Variation ID: 1499779). Invitae Evidence Modeling of protein sequence and biophysical properties (such as structural, functional, and spatial information, amino acid conservation, physicochemical variation, residue mobility, and thermodynamic stability) indicates that this missense variant is expected to disrupt SAMD9L protein function with a positive predictive value of 80%. In summary, the available evidence is currently insufficient to determine the role of this variant in disease. Therefore, it has been classified as a Variant of Uncertain Significance.